The following is an entry in ClinVar:

NM_006939.4(SOS2):c.1852+6T>C

Gene: SOS2 (SOS Ras/Rho guanine nucleotide exchange factor 2; minus strand). Cytogenetic location: 14q21.3.
Variant type: single nucleotide variant.
Coding change: c.1852+6T>C on transcript NM_006939.4 (MANE Select); 6 bases into the intron after coding-DNA position 1852, T replaced by C.
Molecular consequence: intron variant.
Genome position (GRCh38, 1-based): chr14:50,159,425, A>G on the plus strand (T>C on the coding strand, the complement: SOS2 is on the minus strand). VCF-style: chr14-50159425-A-G. GRCh37 (hg19) VCF-style: chr14-50626143-A-G.
Other names: c.1753+6T>C (NM_001411020.1).
Identifiers: ClinVar variation 2914258 (VCV002914258.3), dbSNP rs1566831159, ClinGen allele CA2136069003.

ClinVar aggregate classification (germline): Uncertain significance (1 of 4 stars; one submission).

Conditions:
Noonan syndrome 9 (NS9). Identifiers: Orphanet 648, MedGen C4225282, MONDO:0014691, OMIM 616559.

Submission:

Labcorp Genetics (formerly Invitae), Labcorp
Classification: Uncertain significance for Noonan syndrome 9. Last evaluated: 2023-06-20. Review status: criteria provided, single submitter. Criteria: Invitae Variant Classification Sherloc (09022015). Collection method: clinical testing. Allele origin: germline.
Comment: In summary, the available evidence is currently insufficient to determine the role of this variant in disease. Therefore, it has been classified as a Variant of Uncertain Significance. Variants that disrupt the consensus splice site are a relatively common cause of aberrant splicing (PMID: 17576681, 9536098). Algorithms developed to predict the effect of sequence changes on RNA splicing suggest that this variant is not likely to affect RNA splicing. This sequence change falls in intron 10 of the SOS2 gene. It does not directly change the encoded amino acid sequence of the SOS2 protein. It affects a nucleotide within the consensus splice site. This variant is not present in population databases (gnomAD no frequency). This variant has not been reported in the literature in individuals affected with SOS2-related conditions.

Literature cited by the submitters: PubMed 17576681; PubMed 9536098.